The following is an entry in ClinVar:

ClinVar aggregate classification (germline): Uncertain significance (1 of 4 stars; one submission).

Submission:

GeneDx
Classification: Uncertain significance. Last evaluated: 2024-12-19. Review status: criteria provided, single submitter. Criteria: GeneDx Variant Classification Process June 2021. Collection method: clinical testing. Allele origin: germline. Affected: yes.
Comment: Not observed at significant frequency in large population cohorts (gnomAD); In-frame duplication of 4 amino acid(s) in a repetitive region with no known function; Has not been previously published as pathogenic or benign to our knowledge

NM_002430.3(MN1):c.1602GCA[10] (p.Gln550_Arg551insGlnGlnGlnGln)

Gene: MN1 (MN1 proto-oncogene, transcriptional regulator; minus strand). Cytogenetic location: 22q12.1.
Variant type: Microsatellite.
Coding change: c.1602GCA[10] on transcript NM_002430.3 (MANE Select); ten copies in a row of the 3-base unit GCA starting at c.1602; the reference has six copies in a row; four copies, 12 bases duplicated.
Protein change: p.Gln550_Arg551insGlnGlnGlnGln.
Genome position (GRCh38, 1-based): chr22:27,798,925-27,798,936, TGCTGCTGCTGC duplicated on the plus strand (GCAGCAGCAGCA on the coding strand, the reverse complement: MN1 is on the minus strand); duplicating any 12 consecutive bases within chr22:27,798,925-27,798,944 gives the same sequence; the position shown is the placement nearest the transcript's 3' end. VCF-style (leftmost placement, unchanged base first): chr22-27798924-T-TTGCTGCTGCTGC. GRCh37 (hg19) VCF-style: chr22-28194912-T-TTGCTGCTGCTGC.
Identifiers: ClinVar variation 3906503 (VCV003906503.1).